The following is an entry in ClinVar:

NM_001308093.3(GATA4):c.505G>T (p.Val169Leu)

Gene: GATA4 (GATA binding protein 4). Cytogenetic location: 8p23.1.
Variant type: single nucleotide variant.
Coding change: c.505G>T on transcript NM_001308093.3 (MANE Select); coding-DNA position 505, G replaced by T.
Protein change: p.Val169Leu; replaces valine 169 with leucine.
Molecular consequence: missense variant. On other transcripts: intron variant (3).
Genome position (GRCh38, 1-based): chr8:11,708,817, G>T. VCF-style: chr8-11708817-G-T. GRCh37 (hg19) VCF-style: chr8-11566326-G-T.
Other names: c.505G>T, p.Val169Leu (NM_002052.5); c.-6+8039G>T (NM_001308094.2); c.-3+803G>T (NM_001374274.1); c.-3+4513G>T (NM_001374273.1); short protein forms V169L.
Identifiers: ClinVar variation 2452499 (VCV002452499.2), dbSNP rs1800024133, ClinGen allele CA370309768.

ClinVar aggregate classification (germline): Uncertain significance (1 of 4 stars; one submission).

Conditions:
Cardiovascular phenotype. Identifiers: MedGen CN230736.

Allele frequency attached by ClinVar (database versions not stated): TOPMed below 0.00001; gnomAD 0.00001.
gnomAD v4.1: 2 of 1,483,996 alleles (0.00013%); highest among the groups gnomAD compares: African/African-American, 0.0029%; no homozygotes.

Submission:

Ambry Genetics
Classification: Uncertain significance for Cardiovascular phenotype. Last evaluated: 2022-11-04. Review status: criteria provided, single submitter. Criteria: Ambry Variant Classification Scheme 2023. Collection method: clinical testing. Allele origin: germline.
Comment: The p.V169L variant (also known as c.505G>T), located in coding exon 1 of the GATA4 gene, results from a G to T substitution at nucleotide position 505. The valine at codon 169 is replaced by leucine, an amino acid with highly similar properties. This amino acid position is conserved. In addition, the in silico prediction for this alteration is inconclusive. Since supporting evidence is limited at this time, the clinical significance of this alteration remains unclear.